The following is an entry in ClinVar:

ClinVar aggregate classification (germline): Benign/Likely benign. Review status: criteria provided, multiple submitters, no conflicts (2 of 4 stars). 3 submissions from 3 submitters: Benign (1); Likely benign (2). Last evaluated 2025-10-01.

Conditions:
Hereditary cancer-predisposing syndrome. Also called: Hereditary Cancer Syndrome; Hereditary neoplastic syndrome; Neoplastic Syndromes, Hereditary; Tumor predisposition. Identifiers: Orphanet 140162, MedGen C0027672, MeSH D009386, MONDO:0015356.
POLD1-related polyposis and colorectal cancer syndrome (CRCS10). Also called: Colorectal cancer, susceptibility to, 10; Colorectal cancer 10; COLORECTAL CANCER, SUSCEPTIBILITY TO, ON CHROMOSOME 19q. Identifiers: Orphanet 220460, MedGen C2675481, MONDO:0012953, OMIM 612591.

Submissions (3):

Labcorp Genetics (formerly Invitae), Labcorp
Classification: Likely benign for POLD1-related polyposis and colorectal cancer syndrome. Last evaluated: 2025-10-01. Review status: criteria provided, single submitter. Criteria: Invitae Variant Classification Sherloc (09022015). Collection method: clinical testing. Allele origin: germline.

Myriad Genetics, Inc.
Classification: Benign for POLD1-related polyposis and colorectal cancer syndrome. Last evaluated: 2025-02-06. Review status: criteria provided, single submitter. Criteria: Myriad Autosomal Dominant, Autosomal Recessive and X-Linked Classification Criteria (2023). Collection method: clinical testing. Allele origin: unknown.
Comment: This variant is considered benign. This variant is a silent/synonymous amino acid change and it is not expected to impact splicing.

Ambry Genetics
Classification: Likely benign for Hereditary cancer-predisposing syndrome. Last evaluated: 2019-03-08. Review status: criteria provided, single submitter. Criteria: Ambry Variant Classification Scheme 2023. Collection method: clinical testing. Allele origin: germline.

NM_002691.4(POLD1):c.1449C>G (p.Gly483=)

Gene: POLD1 (DNA polymerase delta 1, catalytic subunit; plus strand). Cytogenetic location: 19q13.33.
Variant type: single nucleotide variant.
Coding change: c.1449C>G on transcript NM_002691.4 (MANE Select); coding-DNA position 1449, C replaced by G.
Protein change: p.Gly483=; no amino-acid change (glycine 483 retained).
Molecular consequence: synonymous variant. On other transcripts: non-coding transcript variant (1).
Genome position (GRCh38, 1-based): chr19:50,406,472, C>G. VCF-style: chr19-50406472-C-G. GRCh37 (hg19) VCF-style: chr19-50909729-C-G.
Other names: c.1449C>G, p.Gly483= (NM_001256849.1, NM_001308632.1).
Identifiers: ClinVar variation 819247 (VCV000819247.13), dbSNP rs878854522, ClinGen allele CA508304710.